The following is an entry in ClinVar:

NM_018010.4(IFT57):c.555A>C (p.Leu185Phe)

Gene: IFT57 (intraflagellar transport 57; minus strand). Cytogenetic location: 3q13.13.
Variant type: single nucleotide variant.
Coding change: c.555A>C on transcript NM_018010.4 (MANE Select); coding-DNA position 555, A replaced by C.
Protein change: p.Leu185Phe; replaces leucine 185 with phenylalanine.
Molecular consequence: missense variant.
Genome position (GRCh38, 1-based): chr3:108,213,961, T>G on the plus strand (A>C on the coding strand, the complement: IFT57 is on the minus strand). VCF-style: chr3-108213961-T-G. GRCh37 (hg19) VCF-style: chr3-107932808-T-G.
Other names: short protein forms L185F.
Identifiers: ClinVar variation 3285440 (VCV003285440.3).

ClinVar aggregate classification (germline): Uncertain significance. Review status: criteria provided, multiple submitters, no conflicts (2 of 4 stars). 2 submissions from 2 submitters: Uncertain significance (2). Last evaluated 2024-07-15.

Submissions (2):

Labcorp Genetics (formerly Invitae), Labcorp
Classification: Uncertain significance. Last evaluated: 2024-07-15. Review status: criteria provided, single submitter. Criteria: Invitae Variant Classification Sherloc (09022015). Collection method: clinical testing. Allele origin: germline.
Comment: This sequence change replaces leucine, which is neutral and non-polar, with phenylalanine, which is neutral and non-polar, at codon 185 of the IFT57 protein (p.Leu185Phe). This variant is present in population databases (rs149577992, gnomAD 0.02%). This variant has not been reported in the literature in individuals affected with IFT57-related conditions. An algorithm developed to predict the effect of missense changes on protein structure and function (PolyPhen-2) suggests that this variant is likely to be disruptive. In summary, the available evidence is currently insufficient to determine the role of this variant in disease. Therefore, it has been classified as a Variant of Uncertain Significance.

Ambry Genetics
Classification: Uncertain significance. Last evaluated: 2024-05-13. Review status: criteria provided, single submitter. Criteria: Ambry Variant Classification Scheme 2023. Collection method: clinical testing. Allele origin: germline.